The following is an entry in ClinVar:

NM_152564.5(VPS13B):c.704G>T (p.Arg235Ile)

Gene: VPS13B (vacuolar protein sorting 13 homolog B; plus strand). Cytogenetic location: 8q22.2.
Variant type: single nucleotide variant.
Coding change: c.704G>T on transcript NM_152564.5 (MANE Select); coding-DNA position 704, G replaced by T.
Protein change: p.Arg235Ile; replaces arginine 235 with isoleucine.
Molecular consequence: missense variant. On other transcripts: non-coding transcript variant (1).
Genome position (GRCh38, 1-based): chr8:99,111,221, G>T. VCF-style: chr8-99111221-G-T. GRCh37 (hg19) VCF-style: chr8-100123449-G-T.
Other names: c.704G>T, p.Arg235Ile (NM_015243.3, NM_017890.5, NM_181661.3); c.704G>T (NM_152564.4); short protein forms R235I.
Identifiers: ClinVar variation 1385827 (VCV001385827.5), dbSNP rs1459648775, ClinGen allele CA371860202.

ClinVar aggregate classification (germline): Uncertain significance. Review status: criteria provided, multiple submitters, no conflicts (2 of 4 stars). 2 submissions from 2 submitters: Uncertain significance (2). Last evaluated 2025-03-20.

Conditions:
Cohen syndrome (COH1). Also called: Cutis verticis gyrata, retinitis pigmentosa, and sensorineural deafness; PEPPER SYNDROME. Identifiers: Orphanet 193, MedGen C0265223, MONDO:0008999, OMIM 216550.
VPS13B-related disorder. Also called: VPS13B-related condition.

Allele frequency attached by ClinVar (database versions not stated): TOPMed below 0.00001; gnomAD 0.00001; gnomAD exomes 0.00001.
gnomAD v4.1: 7 of 1,602,364 alleles (0.00044%); highest among the groups gnomAD compares: Non-Finnish European, 0.0006%; no homozygotes.

Submissions (2):

Labcorp Genetics (formerly Invitae), Labcorp
Classification: Uncertain significance for Cohen syndrome. Last evaluated: 2025-03-20. Review status: criteria provided, single submitter. Criteria: Invitae Variant Classification Sherloc (09022015). Collection method: clinical testing. Allele origin: germline.
Comment: This sequence change replaces arginine, which is basic and polar, with isoleucine, which is neutral and non-polar, at codon 235 of the VPS13B protein (p.Arg235Ile). This variant is present in population databases (no rsID available, gnomAD 0.002%). This variant has not been reported in the literature in individuals affected with VPS13B-related conditions. ClinVar contains an entry for this variant (Variation ID: 1385827). Invitae Evidence Modeling of protein sequence and biophysical properties (such as structural, functional, and spatial information, amino acid conservation, physicochemical variation, residue mobility, and thermodynamic stability) indicates that this missense variant is not expected to disrupt VPS13B protein function with a negative predictive value of 80%. In summary, the available evidence is currently insufficient to determine the role of this variant in disease. Therefore, it has been classified as a Variant of Uncertain Significance.

PreventionGenetics, part of Exact Sciences
Classification: Uncertain significance for VPS13B-related condition. Last evaluated: 2024-12-04. Review status: criteria provided, single submitter. Criteria: ACMG Guidelines, 2015. Collection method: clinical testing. Allele origin: germline.
Comment: The VPS13B c.704G>T variant is predicted to result in the amino acid substitution p.Arg235Ile. To our knowledge, this variant has not been reported in the literature. This variant is reported in 0.0018% of alleles in individuals of European (Non-Finnish) descent in gnomAD. At this time, the clinical significance of this variant is uncertain due to the absence of conclusive functional and genetic evidence.